The following is an entry in ClinVar:

NM_019066.5(MAGEL2):c.3098T>C (p.Val1033Ala)

Gene: MAGEL2 (MAGE family member L2; minus strand). Cytogenetic location: 15q11.2.
Variant type: single nucleotide variant.
Coding change: c.3098T>C on transcript NM_019066.5 (MANE Select); coding-DNA position 3098, T replaced by C.
Protein change: p.Val1033Ala; replaces valine 1033 with alanine.
Molecular consequence: missense variant.
Genome position (GRCh38, 1-based): chr15:23,644,645, A>G on the plus strand (T>C on the coding strand, the complement: MAGEL2 is on the minus strand). VCF-style: chr15-23644645-A-G. GRCh37 (hg19) VCF-style: chr15-23889792-A-G.
Other names: short protein forms V1033A.
Identifiers: ClinVar variation 1904866 (VCV001904866.4), dbSNP rs567531448, ClinGen allele CA7429747.

ClinVar aggregate classification (germline): Uncertain significance. Review status: criteria provided, multiple submitters, no conflicts (2 of 4 stars). 2 submissions from 2 submitters: Uncertain significance (2). Last evaluated 2025-12-15.

Conditions:
Inborn genetic diseases. Identifiers: MedGen C0950123, MeSH D030342.

Allele frequency attached by ClinVar (database versions not stated): ExAC 0.00001; gnomAD 0.00001; gnomAD exomes 0.00003; 1000 Genomes Project 30x 0.00016; 1000 Genomes Project 0.00020.
gnomAD v4.1: 45 of 1,613,892 alleles (0.0028%); highest among the groups gnomAD compares: Admixed American, 0.0033%; no homozygotes.

Submissions (2):

Ambry Genetics
Classification: Uncertain significance for Inborn genetic diseases. Last evaluated: 2025-12-15. Review status: criteria provided, single submitter. Criteria: Ambry Variant Classification Scheme 2023. Collection method: clinical testing. Allele origin: germline.

Labcorp Genetics (formerly Invitae), Labcorp
Classification: Uncertain significance. Last evaluated: 2022-04-16. Review status: criteria provided, single submitter. Criteria: Invitae Variant Classification Sherloc (09022015). Collection method: clinical testing. Allele origin: germline.
Comment: This sequence change replaces valine, which is neutral and non-polar, with alanine, which is neutral and non-polar, at codon 1033 of the MAGEL2 protein (p.Val1033Ala). This variant is present in population databases (rs567531448, gnomAD 0.006%). This variant has not been reported in the literature in individuals affected with MAGEL2-related conditions. Experimental studies and prediction algorithms are not available or were not evaluated, and the functional significance of this variant is currently unknown. In summary, the available evidence is currently insufficient to determine the role of this variant in disease. Therefore, it has been classified as a Variant of Uncertain Significance.